The following is an entry in ClinVar:

NM_020754.4(ARHGAP31):c.2249C>A (p.Ala750Asp)

Gene: ARHGAP31 (Rho GTPase activating protein 31; plus strand). Cytogenetic location: 3q13.33.
Variant type: single nucleotide variant.
Coding change: c.2249C>A on transcript NM_020754.4 (MANE Select); coding-DNA position 2249, C replaced by A.
Protein change: p.Ala750Asp; replaces alanine 750 with aspartic acid.
Molecular consequence: missense variant.
Genome position (GRCh38, 1-based): chr3:119,414,178, C>A. VCF-style: chr3-119414178-C-A. GRCh37 (hg19) VCF-style: chr3-119133025-C-A.
Other names: short protein forms A750D.
Identifiers: ClinVar variation 1370320 (VCV001370320.6), dbSNP rs2107646785, ClinGen allele CA354050050.
Genomic context (GRCh38, chr3:119,414,178, plus strand): 5'-CTTCCACAGCAGCCAGCAGAGAGAAGCCGGAACCTGAGCAGGGCCTGCACCCAGACCTCG[C>A]CAGCCTGGCTCCTCTGGAAATAGTTCCTTTTGAGAAGGCATCTCCACAAGCAACAGTGGA-3'
Protein context (NP_065805.2, residues 740-760): EPEQGLHPDL[Ala750Asp]SLAPLEIVPF

ClinVar aggregate classification (germline): Uncertain significance (1 of 4 stars; one submission).

Submission:

Labcorp Genetics (formerly Invitae), Labcorp
Classification: Uncertain significance. Last evaluated: 2022-06-20. Review status: criteria provided, single submitter. Criteria: Invitae Variant Classification Sherloc (09022015). Collection method: clinical testing. Allele origin: germline.
Comment: This sequence change replaces alanine, which is neutral and non-polar, with aspartic acid, which is acidic and polar, at codon 750 of the ARHGAP31 protein (p.Ala750Asp). This variant is not present in population databases (gnomAD no frequency). In summary, the available evidence is currently insufficient to determine the role of this variant in disease. Therefore, it has been classified as a Variant of Uncertain Significance. Algorithms developed to predict the effect of missense changes on protein structure and function (SIFT, PolyPhen-2, Align-GVGD) all suggest that this variant is likely to be tolerated. This variant has not been reported in the literature in individuals affected with ARHGAP31-related conditions.